The following is an entry in ClinVar:

ClinVar aggregate classification (germline): Pathogenic (1 of 4 stars; one submission).

Conditions:
Short-rib thoracic dysplasia 8 with or without polydactyly (SRTD8). Also called: SHORT-RIB THORACIC DYSPLASIA 8 WITH POLYDACTYLY. Identifiers: Orphanet 93271, MedGen C3809691, MONDO:0014214, OMIM 615503.

Submission:

Labcorp Genetics (formerly Invitae), Labcorp
Classification: Pathogenic for Short-rib thoracic dysplasia 8 with or without polydactyly. Last evaluated: 2022-06-10. Review status: criteria provided, single submitter. Criteria: Invitae Variant Classification Sherloc (09022015). Collection method: clinical testing. Allele origin: germline.
Comment: For these reasons, this variant has been classified as Pathogenic. This variant has not been reported in the literature in individuals affected with WDR60-related conditions. This variant is not present in population databases (gnomAD no frequency). This sequence change creates a premature translational stop signal (p.Ser176*) in the WDR60 gene. It is expected to result in an absent or disrupted protein product. Loss-of-function variants in WDR60 are known to be pathogenic (PMID: 9068549, 23910462).

Literature cited by the submitters: PubMed 9068549; PubMed 23910462.

NM_018051.5(DYNC2I1):c.527_528del (p.Asp175_Ser176insTer)

Gene: DYNC2I1 (dynein 2 intermediate chain 1; plus strand). Cytogenetic location: 7q36.3.
Variant type: Microsatellite.
Coding change: c.527_528del on transcript NM_018051.5 (MANE Select); coding-DNA positions 527 to 528, 2 bases deleted (CT; older notation c.527_528delCT).
Protein change: p.Asp175_Ser176insTer.
Molecular consequence: nonsense. On other transcripts: frameshift variant (1), 5 prime UTR variant (3).
Genome position (GRCh38, 1-based): chr7:158,876,645-158,876,646, CT deleted; deleting any 2 consecutive bases within chr7:158,876,643-158,876,646 gives the same sequence; the c. name uses the placement nearest the transcript's 3' end. VCF-style (leftmost placement, unchanged base first): chr7-158876642-ACT-A. GRCh37 (hg19) VCF-style: chr7-158669333-ACT-A.
Other names: c.389_390del, p.Asp129_Ser130insTer (NM_001350914.2); c.10_11del, p.Leu4fs (NM_001350915.2); c.-834CT[1] (NM_001350916.2); c.-842CT[1] (NM_001350917.2); c.-961CT[1] (NM_001350918.2); short protein forms L4fs.
Identifiers: ClinVar variation 2000055 (VCV002000055.4), dbSNP rs2535858137, ClinGen allele CA2580614300.